The following is an entry in ClinVar:

ClinVar aggregate classification (germline): Pathogenic (1 of 4 stars; one submission).

Conditions:
Craniometaphyseal dysplasia, autosomal dominant (CMDD). Identifiers: Orphanet 1522, MedGen C1852502, MONDO:0007397, OMIM 123000.

Submission:

Laboratory of Prof. Karen Avraham, Tel Aviv University
Classification: Pathogenic for Craniometaphyseal dysplasia, autosomal dominant. Last evaluated: 2024-09-23. Review status: criteria provided, single submitter. Criteria: ACMG Guidelines, 2015. Collection method: research. Allele origin: germline. Inheritance: Autosomal dominant inheritance. Affected: yes. Observed: 1 heterozygote.
Comment: The c.1261dupC, p.Leu421Profs*42 is a frameshift variant in exon 10 of a gene with known nonsense and frameshift mutations in this exon. This variant is not present in gnomAD. The variant segregates with mixed mild to moderate hearing loss in six family members. Mixed hearing loss is one of the symptoms of the ANKH gene.

NM_054027.6(ANKH):c.1261dup (p.Leu421fs)

Genes: ANKH (ANKH inorganic pyrophosphate transport regulator; minus strand), OTULIN (OTU deubiquitinase with linear linkage specificity; plus strand), LOC100130744 (uncharacterized LOC100130744; plus strand). Cytogenetic location: 5p15.2.
Variant type: Duplication.
Coding change: c.1261dup on transcript NM_054027.6 (MANE Select); coding-DNA position 1261, one base duplicated (C; older notation c.1261dupC).
Protein change: p.Leu421fs; shifts the reading frame from leucine 421.
Molecular consequence: frameshift variant. On other transcripts: non-coding transcript variant (1).
Genome position (GRCh38, 1-based): chr5:14,713,548, G duplicated on the plus strand (C on the coding strand, the reverse complement: ANKH is on the minus strand); the first of 2 consecutive G bases (chr5:14,713,548-14,713,549); duplicating either gives the same sequence. VCF-style (leftmost placement, unchanged base first): chr5-14713547-A-AG. GRCh37 (hg19) VCF-style: chr5-14713656-A-AG.
Other names: c.1261dupC (NM_054027.6); short protein forms L421fs.
Identifiers: ClinVar variation 3340533 (VCV003340533.1).